The following is an entry in ClinVar:

NM_020778.5(ALPK3):c.1484A>G (p.Asp495Gly)

Genes: ALPK3 (alpha kinase 3; plus strand), LOC111718493 (skeletal muscle cis-regulatory module overlapping ALPK3; plus strand). Cytogenetic location: 15q25.3.
Variant type: single nucleotide variant.
Coding change: c.1484A>G on transcript NM_020778.5 (MANE Select); coding-DNA position 1484, A replaced by G.
Protein change: p.Asp495Gly; replaces aspartic acid 495 with glycine.
Molecular consequence: missense variant.
Genome position (GRCh38, 1-based): chr15:84,840,763, A>G. VCF-style: chr15-84840763-A-G. GRCh37 (hg19) VCF-style: chr15-85383994-A-G.
Other names: short protein forms D495G.
Identifiers: ClinVar variation 2833083 (VCV002833083.3), dbSNP rs2505706767, ClinGen allele CA393375721.
Genomic context (GRCh38, chr15:84,840,763, plus strand): 5'-CTAGGCCTTTCAACAGAAAGAGATTTGCCCCTCCAAAGCCCAAAGGAGAGGCCACCACTG[A>G]CAGCAAGCCCATTTCTTCTCTGAGTCAAGCTCCAGAATGCGGGGCCCAGAGCTTAGGAAA-3'
Protein context (NP_065829.4, residues 485-505): PPKPKGEATT[Asp495Gly]SKPISSLSQA

ClinVar aggregate classification (germline): Uncertain significance (1 of 4 stars; one submission).

Allele frequency attached by ClinVar (database versions not stated): gnomAD exomes below 0.00001.
gnomAD v4.1: 1 of 1,614,200 alleles (0.000062%); highest among the groups gnomAD compares: Non-Finnish European, 0.000085%; no homozygotes.

Submission:

Labcorp Genetics (formerly Invitae), Labcorp
Classification: Uncertain significance. Last evaluated: 2023-01-31. Review status: criteria provided, single submitter. Criteria: Invitae Variant Classification Sherloc (09022015). Collection method: clinical testing. Allele origin: germline.
Comment: This sequence change replaces aspartic acid, which is acidic and polar, with glycine, which is neutral and non-polar, at codon 697 of the ALPK3 protein (p.Asp697Gly). This variant is not present in population databases (gnomAD no frequency). This variant has not been reported in the literature in individuals affected with ALPK3-related conditions. Algorithms developed to predict the effect of missense changes on protein structure and function (SIFT, PolyPhen-2, Align-GVGD) all suggest that this variant is likely to be tolerated. In summary, the available evidence is currently insufficient to determine the role of this variant in disease. Therefore, it has been classified as a Variant of Uncertain Significance.